The following is an entry in ClinVar:

ClinVar aggregate classification (germline): Uncertain significance. Review status: criteria provided, multiple submitters, no conflicts (2 of 4 stars). 3 submissions from 3 submitters: Uncertain significance (3). Last evaluated 2026-01-03.

Conditions:
Inborn genetic diseases. Identifiers: MedGen C0950123, MeSH D030342.
TGFBI-related disorder. Also called: TGFBI-related condition.

Allele frequency attached by ClinVar (database versions not stated): gnomAD 0.00001; gnomAD exomes 0.00001.

Submissions (3):

Labcorp Genetics (formerly Invitae), Labcorp
Classification: Uncertain significance. Last evaluated: 2026-01-03. Review status: criteria provided, single submitter. Criteria: Invitae Variant Classification Sherloc (09022015). Collection method: clinical testing. Allele origin: germline.
Comment: This sequence change replaces arginine, which is basic and polar, with glutamine, which is neutral and polar, at codon 669 of the TGFBI protein (p.Arg669Gln). The frequency data for this variant in the population databases is considered unreliable, as metrics indicate poor data quality at this position in the gnomAD database. This variant has not been reported in the literature in individuals affected with TGFBI-related conditions. ClinVar contains an entry for this variant (Variation ID: 2623737). An algorithm developed to predict the effect of missense changes on protein structure and function (PolyPhen-2) suggests that this variant is likely to be tolerated. In summary, the available evidence is currently insufficient to determine the role of this variant in disease. Therefore, it has been classified as a Variant of Uncertain Significance.

PreventionGenetics, part of Exact Sciences
Classification: Uncertain significance for TGFBI-related condition. Last evaluated: 2024-10-17. Review status: criteria provided, single submitter. Criteria: ACMG Guidelines, 2015. Collection method: clinical testing. Allele origin: germline.
Comment: The TGFBI c.2006G>A variant is predicted to result in the amino acid substitution p.Arg669Gln. To our knowledge, this variant has not been reported in the literature. This variant is reported in 0.015% of alleles in individuals of East Asian descent in gnomAD. At this time, the clinical significance of this variant is uncertain due to the absence of conclusive functional and genetic evidence.

Ambry Genetics
Classification: Uncertain significance for Inborn genetic diseases. Last evaluated: 2023-09-13. Review status: criteria provided, single submitter. Criteria: Ambry Variant Classification Scheme 2023. Collection method: clinical testing. Allele origin: germline.

NM_000358.3(TGFBI):c.2006G>A (p.Arg669Gln)

Genes: TGFBI (transforming growth factor beta induced; plus strand), LOC129994706 (ATAC-STARR-seq lymphoblastoid silent region 16378; plus strand). Cytogenetic location: 5q31.1.
Variant type: single nucleotide variant.
Coding change: c.2006G>A on transcript NM_000358.3 (MANE Select); coding-DNA position 2006, G replaced by A.
Protein change: p.Arg669Gln; replaces arginine 669 with glutamine.
Molecular consequence: missense variant.
Genome position (GRCh38, 1-based): chr5:136,062,682, G>A. VCF-style: chr5-136062682-G-A. GRCh37 (hg19) VCF-style: chr5-135398371-G-A.
Other names: short protein forms R669Q.
Identifiers: ClinVar variation 2623737 (VCV002623737.4), dbSNP rs1294925461, ClinGen allele CA361046777.